The following is an entry in ClinVar:

ClinVar aggregate classification (germline): Uncertain significance (1 of 4 stars; one submission).

gnomAD v4.1: 1 of 1,607,272 alleles (0.000062%); no homozygotes.

Submission:

Ambry Genetics
Classification: Uncertain significance. Last evaluated: 2025-02-08. Review status: criteria provided, single submitter. Criteria: Ambry Variant Classification Scheme 2023. Collection method: clinical testing. Allele origin: germline.
Comment: The p.E1242K variant (also known as c.3724G>A), located in coding exon 16 of the WNK2 gene, results from a G to A substitution at nucleotide position 3724. The glutamic acid at codon 1242 is replaced by lysine, an amino acid with similar properties. This amino acid position is conserved. In addition, this alteration is predicted to be deleterious by in silico analysis. Based on the available evidence, the clinical significance of this variant remains unclear.

NM_006648.4(WNK2):c.3724G>A (p.Glu1242Lys)

Gene: WNK2 (WNK lysine deficient protein kinase 2; plus strand). Cytogenetic location: 9q22.31.
Variant type: single nucleotide variant.
Coding change: c.3724G>A on transcript NM_006648.4 (MANE Select); coding-DNA position 3724, G replaced by A.
Protein change: p.Glu1242Lys; replaces glutamic acid 1242 with lysine.
Molecular consequence: missense variant.
Genome position (GRCh38, 1-based): chr9:93,267,773, G>A. VCF-style: chr9-93267773-G-A. GRCh37 (hg19) VCF-style: chr9-96030055-G-A.
Other names: c.3724G>A, p.Glu1242Lys (NM_001282394.3); short protein forms E1242K.
Identifiers: ClinVar variation 3817039 (VCV003817039.1).